The following is an entry in ClinVar:

NM_001114753.3(ENG):c.1276G>C (p.Val426Leu)

Genes: ENG (endoglin; minus strand), LOC102723566 (uncharacterized LOC102723566; plus strand). Cytogenetic location: 9q34.11.
Variant type: single nucleotide variant.
Coding change: c.1276G>C on transcript NM_001114753.3 (MANE Select); coding-DNA position 1276, G replaced by C.
Protein change: p.Val426Leu; replaces valine 426 with leucine.
Molecular consequence: missense variant.
Genome position (GRCh38, 1-based): chr9:127,819,657, C>G on the plus strand (G>C on the coding strand, the complement: ENG is on the minus strand). VCF-style: chr9-127819657-C-G. GRCh37 (hg19) VCF-style: chr9-130581936-C-G.
Other names: c.1276G>C, p.Val426Leu (NM_000118.4); c.730G>C, p.Val244Leu (NM_001278138.2); short protein forms V244L, V426L.
Identifiers: ClinVar variation 4870420 (VCV004870420.1).

ClinVar aggregate classification (germline): Uncertain significance (1 of 4 stars; one submission).

Conditions:
Cardiovascular phenotype. Identifiers: MedGen CN230736.

gnomAD v4.1: 1 of 1,610,086 alleles (0.000062%); highest among the groups gnomAD compares: Non-Finnish European, 0.000085%; no homozygotes.

Submission:

Ambry Genetics
Classification: Uncertain significance for Cardiovascular phenotype. Last evaluated: 2026-06-09. Review status: criteria provided, single submitter. Criteria: Ambry Variant Classification Scheme 2023. Collection method: clinical testing. Allele origin: germline.
Comment: The p.V426L variant (also known as c.1276G>C), located in coding exon 10 of the ENG gene, results from a G to C substitution at nucleotide position 1276. The valine at codon 426 is replaced by leucine, an amino acid with highly similar properties. This amino acid position is conserved. In addition, this alteration is predicted to be tolerated by in silico analysis. Based on the available evidence, the clinical significance of this variant remains unclear.